The following is an entry in ClinVar:

NM_005687.5(FARSB):c.404G>T (p.Arg135Leu)

Gene: FARSB (phenylalanyl-tRNA synthetase subunit beta; minus strand). Cytogenetic location: 2q36.1.
Variant type: single nucleotide variant.
Coding change: c.404G>T on transcript NM_005687.5 (MANE Select); coding-DNA position 404, G replaced by T.
Protein change: p.Arg135Leu; replaces arginine 135 with leucine.
Molecular consequence: missense variant. On other transcripts: non-coding transcript variant (1).
Genome position (GRCh38, 1-based): chr2:222,639,631, C>A on the plus strand (G>T on the coding strand, the complement: FARSB is on the minus strand). VCF-style: chr2-222639631-C-A. GRCh37 (hg19) VCF-style: chr2-223504350-C-A.
Other names: c.404G>T (NM_005687.3); short protein forms R135L.
Identifiers: ClinVar variation 1957151 (VCV001957151.8), dbSNP rs368004031, ClinGen allele CA2136670.
Genomic context (GRCh38, chr2:222,639,631, plus strand): 5'-ACCACAAACCTGCAAATATTCTGATGTAATTTCTCCTGAAGTTCAATGAAGCTGTCATAT[C>A]GATCTTTAGTAAACTTTATATTACGGAGAACTGCTGCTACCGCAAAAGGACGTATCTTAG-3'
Protein context (NP_005678.3, residues 125-145): VLRNIKFTKD[Arg135Leu]YDSFIELQEK

ClinVar aggregate classification (germline): Uncertain significance. Review status: criteria provided, multiple submitters, no conflicts (2 of 4 stars). 2 submissions from 2 submitters: Uncertain significance (2). Last evaluated 2025-04-07.

Conditions:
Inborn genetic diseases. Identifiers: MedGen C0950123, MeSH D030342.

Allele frequency attached by ClinVar (database versions not stated): gnomAD 0.00001; TOPMed 0.00001; ESP Exome Variant Server 0.00015.

Submissions (2):

Ambry Genetics
Classification: Uncertain significance for Inborn genetic diseases. Last evaluated: 2025-04-07. Review status: criteria provided, single submitter. Criteria: Ambry Variant Classification Scheme 2023. Collection method: clinical testing. Allele origin: germline.

Labcorp Genetics (formerly Invitae), Labcorp
Classification: Uncertain significance. Last evaluated: 2022-04-16. Review status: criteria provided, single submitter. Criteria: Invitae Variant Classification Sherloc (09022015). Collection method: clinical testing. Allele origin: germline.
Comment: In summary, the available evidence is currently insufficient to determine the role of this variant in disease. Therefore, it has been classified as a Variant of Uncertain Significance. Algorithms developed to predict the effect of missense changes on protein structure and function (SIFT, PolyPhen-2, Align-GVGD) all suggest that this variant is likely to be tolerated. This variant has not been reported in the literature in individuals affected with FARSB-related conditions. This variant is present in population databases (rs368004031, gnomAD 0.002%). This sequence change replaces arginine, which is basic and polar, with leucine, which is neutral and non-polar, at codon 135 of the FARSB protein (p.Arg135Leu).